The following is an entry in ClinVar:

NM_000051.4(ATM):c.7819T>C (p.Cys2607Arg)

Genes: ATM (ATM serine/threonine kinase; plus strand), C11orf65 (chromosome 11 open reading frame 65; minus strand). Cytogenetic location: 11q22.3.
Variant type: single nucleotide variant.
Coding change: c.7819T>C on transcript NM_000051.4 (MANE Select); coding-DNA position 7819, T replaced by C.
Protein change: p.Cys2607Arg; replaces cysteine 2607 with arginine.
Molecular consequence: missense variant. On other transcripts: intron variant (2).
Genome position (GRCh38, 1-based): chr11:108,332,792, T>C. VCF-style: chr11-108332792-T-C. GRCh37 (hg19) VCF-style: chr11-108203519-T-C.
Other names: c.7819T>C, p.Cys2607Arg (NM_001351834.2); c.641-23721A>G (NM_001330368.2); c.*38+2428A>G (NM_001351110.2); short protein forms C2607R.
Identifiers: ClinVar variation 453705 (VCV000453705.30), dbSNP rs1459650575, ClinGen allele CA382561300.

ClinVar aggregate classification (germline): Conflicting classifications of pathogenicity. Review status: criteria provided, conflicting classifications (1 of 4 stars). 6 submissions from 6 submitters: Uncertain significance (4); Likely benign (1). 1 of the submissions does not count toward it. Last evaluated 2025-10-15.

Conditions:
Hereditary cancer-predisposing syndrome. Also called: Neoplastic Syndromes, Hereditary; Hereditary Cancer Syndrome; Tumor predisposition; Hereditary neoplastic syndrome. Identifiers: Orphanet 140162, MedGen C0027672, MeSH D009386, MONDO:0015356.
Ataxia-telangiectasia syndrome (AT). Also called: LOUIS-BAR SYNDROME; Cerebello-oculocutaneous telangiectasia; Immunodeficiency with ataxia telangiectasia; Ataxia-telangiectasia, complementation group D; AT, COMPLEMENTATION GROUP C; Ataxia-telangiectasia, complementation group E. Identifiers: Orphanet 100, MedGen C0004135, MONDO:0008840, OMIM 208900.
Familial cancer of breast. Also called: Hereditary breast cancer; BREAST CANCER, FAMILIAL; hereditary breast carcinoma. Identifiers: Orphanet 227535, MedGen C0346153, MONDO:0016419, OMIM 114480. Disease mechanism: loss of function.

Allele frequency attached by ClinVar (database versions not stated): gnomAD exomes below 0.00001; TOPMed below 0.00001.
gnomAD v4.1: 3 of 1,613,350 alleles (0.00019%); highest among the groups gnomAD compares: Non-Finnish European, 0.00025%; no homozygotes.

Submissions (6):

Labcorp Genetics (formerly Invitae), Labcorp
Classification: Uncertain significance for Ataxia-telangiectasia syndrome. Last evaluated: 2025-10-15. Review status: criteria provided, single submitter. Criteria: Invitae Variant Classification Sherloc (09022015). Collection method: clinical testing. Allele origin: germline.
Comment: This sequence change replaces cysteine, which is neutral and slightly polar, with arginine, which is basic and polar, at codon 2607 of the ATM protein (p.Cys2607Arg). This variant is not present in population databases (gnomAD no frequency). This variant has not been reported in the literature in individuals affected with ATM-related conditions. ClinVar contains an entry for this variant (Variation ID: 453705). Invitae Evidence Modeling of protein sequence and biophysical properties (such as structural, functional, and spatial information, amino acid conservation, physicochemical variation, residue mobility, and thermodynamic stability) indicates that this missense variant is not expected to disrupt ATM protein function with a negative predictive value of 95%. In summary, the available evidence is currently insufficient to determine the role of this variant in disease. Therefore, it has been classified as a Variant of Uncertain Significance.

St. Jude Molecular Pathology, St. Jude Children's Research Hospital
Classification: Uncertain significance for Familial cancer of breast. Last evaluated: 2024-06-04. Review status: criteria provided, single submitter. Criteria: St. Jude Assertion Criteria 2020. Collection method: clinical testing. Allele origin: germline.
Comment: The ATM c.7819T>C (p.Cys2607Arg) missense change is absent in gnomAD v2.1.1. The in silico tool REVEL predicts a benign effect on protein function, but to our knowledge this prediction has not been confirmed by functional studies. To our knowledge, this variant has not been reported in individuals with ataxia telangiectasia. In summary, the evidence currently available is insufficient to determine the clinical significance of this variant. It has therefore been classified as of uncertain significance.

GeneDx
Classification: Uncertain significance. Last evaluated: 2024-05-01. Review status: criteria provided, single submitter. Criteria: GeneDx Variant Classification Process June 2021. Collection method: clinical testing. Allele origin: germline. Affected: yes.
Comment: Not observed at significant frequency in large population cohorts (gnomAD); In silico analysis indicates that this missense variant does not alter protein structure/function; Has not been previously published as pathogenic or benign to our knowledge

Color Diagnostics, LLC DBA Color Health
Classification: Uncertain significance for Hereditary cancer-predisposing syndrome. Last evaluated: 2019-05-07. Review status: criteria provided, single submitter. Criteria: ACMG Guidelines, 2015. Collection method: clinical testing. Allele origin: germline.

Ambry Genetics
Classification: Likely benign for Hereditary cancer-predisposing syndrome. Last evaluated: 2017-10-06. Review status: criteria provided, single submitter. Criteria: Ambry Variant Classification Scheme 2023. Collection method: clinical testing. Allele origin: germline.

Natera, Inc.
Classification: Uncertain significance for Ataxia-telangiectasia. Last evaluated: 2020-07-29. Review status: no assertion criteria provided. Collection method: clinical testing. Allele origin: germline. Not counted in ClinVar's aggregate classification.